The following is an entry in ClinVar:

NM_001369.3(DNAH5):c.9540del (p.Phe3181fs)

Gene: DNAH5 (dynein axonemal heavy chain 5; minus strand). Cytogenetic location: 5p15.2.
Variant type: Deletion.
Coding change: c.9540del on transcript NM_001369.3 (MANE Select); coding-DNA position 9540, one base deleted (C; older notation c.9540delC).
Protein change: p.Phe3181fs; shifts the reading frame from phenylalanine 3181.
Molecular consequence: frameshift variant.
Genome position (GRCh38, 1-based): chr5:13,770,814, G deleted on the plus strand (C on the coding strand, the reverse complement: DNAH5 is on the minus strand); the first of 2 consecutive G bases (chr5:13,770,814-13,770,815); deleting either gives the same sequence. VCF-style (leftmost placement, unchanged base first): chr5-13770813-AG-A. GRCh37 (hg19) VCF-style: chr5-13770922-AG-A.
Other names: short protein forms F3181fs.
Identifiers: ClinVar variation 1071536 (VCV001071536.7), dbSNP rs2126785787, ClinGen allele CA2499217610.
Genomic context (GRCh38, chr5:13,770,813, plus strand): 5'-TGGCCAGGGTCCGCACCTCCACATGCTTTTCTCCATATATGAACTTATAGCCCTGAATAA[AG>A]GAGAGGTATGATTTGGGCGTCACGTGGGTAGAACGTCGGAATCTCTGAAAATAATCAACA-3'

ClinVar aggregate classification (germline): Pathogenic (1 of 4 stars; one submission).

Conditions:
Primary ciliary dyskinesia. Also called: Ciliary dyskinesia. Identifiers: Orphanet 244, MedGen C0008780, MONDO:0016575, HP:0012265.

Submission:

Labcorp Genetics (formerly Invitae), Labcorp
Classification: Pathogenic for Primary ciliary dyskinesia. Last evaluated: 2024-01-09. Review status: criteria provided, single submitter. Criteria: Invitae Variant Classification Sherloc (09022015). Collection method: clinical testing. Allele origin: germline.
Comment: This sequence change creates a premature translational stop signal (p.Phe3181Leufs*23) in the DNAH5 gene. It is expected to result in an absent or disrupted protein product. Loss-of-function variants in DNAH5 are known to be pathogenic (PMID: 11788826, 16627867). This variant is not present in population databases (gnomAD no frequency). This variant has not been reported in the literature in individuals affected with DNAH5-related conditions. ClinVar contains an entry for this variant (Variation ID: 1071536). For these reasons, this variant has been classified as Pathogenic.

Literature cited by the submitters: PubMed 11788826; PubMed 16627867.